The following is an entry in ClinVar:

NM_001267550.2(TTN):c.64297del (p.Glu21433fs)

Genes: TTN (titin; minus strand), TTN-AS1 (TTN antisense RNA 1; plus strand). Cytogenetic location: 2q31.2.
Variant type: Deletion.
Coding change: c.64297del on transcript NM_001267550.2 (MANE Select); coding-DNA position 64297, one base deleted (G; older notation c.64297delG).
Protein change: p.Glu21433fs; shifts the reading frame from glutamic acid 21433.
Molecular consequence: frameshift variant.
Genome position (GRCh38, 1-based): chr2:178,586,604, C deleted on the plus strand (G on the coding strand, the reverse complement: TTN is on the minus strand); the first of 2 consecutive C bases (chr2:178,586,604-178,586,605); deleting either gives the same sequence. VCF-style (leftmost placement, unchanged base first): chr2-178586603-TC-T. GRCh37 (hg19) VCF-style: chr2-179451330-TC-T.
Other names: c.64297delG (NM_001267550.2); c.59374del, p.Glu19792fs (NM_001256850.1); c.37102del, p.Glu12368fs (NM_003319.4); c.56593del, p.Glu18865fs (NM_133378.4); c.37477del, p.Glu12493fs (NM_133432.3); c.37678del, p.Glu12560fs (NM_133437.4); short protein forms E12493fs, E12560fs, E18865fs, E19792fs, E21433fs, E12368fs.
Identifiers: ClinVar variation 651211 (VCV000651211.9), dbSNP rs1576014780, ClinGen allele CA915942248.

ClinVar aggregate classification (germline): Likely pathogenic (1 of 4 stars; one submission).

Conditions:
Autosomal recessive limb-girdle muscular dystrophy type 2J (LGMDR10). Also called: Limb-girdle muscular dystrophy, type 2J; MUSCULAR DYSTROPHY, LIMB-GIRDLE, AUTOSOMAL RECESSIVE 10. Identifiers: Orphanet 140922, MedGen C1837342, MONDO:0012127, OMIM 608807.
Dilated cardiomyopathy 1G (CMD1G). Identifiers: Orphanet 154, MedGen C1858763, MONDO:0011400, OMIM 604145.

Submission:

Labcorp Genetics (formerly Invitae), Labcorp
Classification: Likely pathogenic for Dilated cardiomyopathy 1G; Autosomal recessive limb-girdle muscular dystrophy type 2J. Last evaluated: 2018-09-10. Review status: criteria provided, single submitter. Criteria: Invitae Variant Classification Sherloc (09022015). Collection method: clinical testing. Allele origin: germline.
Comment: In summary, the currently available evidence indicates that the variant is pathogenic, but additional data are needed to prove that conclusively. Therefore, this variant has been classified as Likely Pathogenic. This sequence change results in a premature translational stop signal in the TTN gene (p.Glu21433Lysfs*9). While this is not anticipated to result in nonsense mediated decay, it is expected to create a truncated TTN protein. This variant is not present in population databases (ExAC no frequency). This variant has not been reported in the literature in individuals with TTN-related disease. This variant is located in the A band of TTN (PMID: 25589632). Truncating variants in this region are significantly overrepresented in patients affected with dilated cardiomyopathy (PMID: 25589632). Truncating variants in this region have also been reported in individuals affected with autosomal recessive centronuclear myopathy (PMID: 23975875).

Literature cited by the submitters: PubMed 25589632; PubMed 23975875.